The following is an entry in ClinVar:

ClinVar aggregate classification (germline): Conflicting classifications of pathogenicity. Review status: criteria provided, conflicting classifications (1 of 4 stars). 3 submissions from 3 submitters: Uncertain significance (1); Likely benign (2). Last evaluated 2025-09-20.

Conditions:
NUP107-related disorder. Also called: NUP107-related condition.

Allele frequency attached by ClinVar (database versions not stated): gnomAD exomes 0.00007 and 0.00024; ExAC 0.00031; gnomAD 0.00066 and 0.00073; ESP Exome Variant Server 0.00069; TOPMed 0.00087; 1000 Genomes Project 0.00120; 1000 Genomes Project 30x 0.00125.
gnomAD v4.1: 196 of 1,610,658 alleles (0.012%); highest among the groups gnomAD compares: African/African-American, 0.25%; no homozygotes.

Submissions (3):

Labcorp Genetics (formerly Invitae), Labcorp
Classification: Likely benign. Last evaluated: 2025-09-20. Review status: criteria provided, single submitter. Criteria: Invitae Variant Classification Sherloc (09022015). Collection method: clinical testing. Allele origin: germline.

PreventionGenetics, part of Exact Sciences
Classification: Likely benign for NUP107-related condition. Last evaluated: 2025-05-06. Review status: criteria provided, single submitter. Criteria: ACMG Guidelines, 2015. Collection method: clinical testing. Allele origin: germline.
Comment: This variant is classified as likely benign based on ACMG/AMP sequence variant interpretation guidelines (Richards et al. 2015 PMID: 25741868, with internal and published modifications).

GeneDx
Classification: Uncertain significance. Last evaluated: 2024-08-15. Review status: criteria provided, single submitter. Criteria: GeneDx Variant Classification Process June 2021. Collection method: clinical testing. Allele origin: germline. Affected: yes.
Comment: In silico analysis indicates that this missense variant does not alter protein structure/function; Has not been previously published as pathogenic or benign to our knowledge

NM_020401.4(NUP107):c.496T>C (p.Ser166Pro)

Gene: NUP107 (nucleoporin 107; plus strand). Cytogenetic location: 12q15.
Variant type: single nucleotide variant.
Coding change: c.496T>C on transcript NM_020401.4 (MANE Select); coding-DNA position 496, T replaced by C.
Protein change: p.Ser166Pro; replaces serine 166 with proline.
Molecular consequence: missense variant.
Genome position (GRCh38, 1-based): chr12:68,696,866, T>C. VCF-style: chr12-68696866-T-C. GRCh37 (hg19) VCF-style: chr12-69090646-T-C.
Other names: c.409T>C, p.Ser137Pro (NM_001330192.2); c.496T>C (NM_020401.2); short protein forms S137P, S166P.
Identifiers: ClinVar variation 732382 (VCV000732382.7), dbSNP rs139326798, ClinGen allele CA6677453.